The following is an entry in ClinVar:

NM_024577.4(SH3TC2):c.509T>G (p.Leu170Arg)

Gene: SH3TC2 (SH3 domain and tetratricopeptide repeats 2; minus strand). Cytogenetic location: 5q32.
Variant type: single nucleotide variant.
Coding change: c.509T>G on transcript NM_024577.4 (MANE Select); coding-DNA position 509, T replaced by G.
Protein change: p.Leu170Arg; replaces leucine 170 with arginine.
Molecular consequence: missense variant.
Genome position (GRCh38, 1-based): chr5:149,042,714, A>C on the plus strand (T>G on the coding strand, the complement: SH3TC2 is on the minus strand). VCF-style: chr5-149042714-A-C. GRCh37 (hg19) VCF-style: chr5-148422277-A-C.
Other names: short protein forms L170R.
Identifiers: ClinVar variation 1042525 (VCV001042525.8), dbSNP rs1754392249, ClinGen allele CA361675444.

ClinVar aggregate classification (germline): Uncertain significance (1 of 4 stars; one submission).

Conditions:
Charcot-Marie-Tooth disease type 4. Also called: Charcot-Marie-Tooth, Type 4; Charcot-Marie-Tooth disease, type IV. Identifiers: Orphanet 64749, MedGen C4082197, MONDO:0018995.

Allele frequency attached by ClinVar (database versions not stated): gnomAD exomes below 0.00001; gnomAD 0.00001; TOPMed 0.00001.

Submission:

Labcorp Genetics (formerly Invitae), Labcorp
Classification: Uncertain significance for Charcot-Marie-Tooth disease type 4. Last evaluated: 2020-10-19. Review status: criteria provided, single submitter. Criteria: Invitae Variant Classification Sherloc (09022015). Collection method: clinical testing. Allele origin: germline.
Comment: In summary, the available evidence is currently insufficient to determine the role of this variant in disease. Therefore, it has been classified as a Variant of Uncertain Significance. Advanced modeling of protein sequence and biophysical properties (such as structural, functional, and spatial information, amino acid conservation, physicochemical variation, residue mobility, and thermodynamic stability) performed at Invitae indicates that this missense variant is not expected to disrupt SH3TC2 protein function. This variant has not been reported in the literature in individuals with SH3TC2-related conditions. This variant is not present in population databases (ExAC no frequency). This sequence change replaces leucine with arginine at codon 170 of the SH3TC2 protein (p.Leu170Arg). The leucine residue is highly conserved and there is a moderate physicochemical difference between leucine and arginine.